The following is an entry in ClinVar:

NM_000098.3(CPT2):c.847G>A (p.Ala283Thr)

Gene: CPT2 (carnitine palmitoyltransferase 2; plus strand). Cytogenetic location: 1p32.3.
Variant type: single nucleotide variant.
Coding change: c.847G>A on transcript NM_000098.3 (MANE Select); coding-DNA position 847, G replaced by A.
Protein change: p.Ala283Thr; replaces alanine 283 with threonine.
Molecular consequence: missense variant.
Genome position (GRCh38, 1-based): chr1:53,210,521, G>A. VCF-style: chr1-53210521-G-A. GRCh37 (hg19) VCF-style: chr1-53676193-G-A.
Other names: c.847G>A, p.Ala283Thr (NM_001330589.2); short protein forms A283T.
Identifiers: ClinVar variation 2041324 (VCV002041324.1), dbSNP rs770874001, ClinGen allele CA859061.

ClinVar aggregate classification (germline): Uncertain significance (1 of 4 stars; one submission).

Conditions:
Carnitine palmitoyltransferase II deficiency. Also called: Carnitine Palmitoyltransferase 2 Deficiency. Identifiers: Orphanet 157, MedGen C0342790, MONDO:0015515.

Allele frequency attached by ClinVar (database versions not stated): TOPMed below 0.00001; gnomAD exomes 0.00001; ExAC 0.00002.
gnomAD v4.1: 16 of 1,614,040 alleles (0.00099%); highest among the groups gnomAD compares: Admixed American, 0.0033%; no homozygotes.

Submission:

Labcorp Genetics (formerly Invitae), Labcorp
Classification: Uncertain significance for Carnitine palmitoyltransferase II deficiency. Last evaluated: 2022-05-18. Review status: criteria provided, single submitter. Criteria: Invitae Variant Classification Sherloc (09022015). Collection method: clinical testing. Allele origin: germline.
Comment: This sequence change replaces alanine, which is neutral and non-polar, with threonine, which is neutral and polar, at codon 283 of the CPT2 protein (p.Ala283Thr). This variant is present in population databases (rs770874001, gnomAD 0.006%). This variant has not been reported in the literature in individuals affected with CPT2-related conditions. Advanced modeling of protein sequence and biophysical properties (such as structural, functional, and spatial information, amino acid conservation, physicochemical variation, residue mobility, and thermodynamic stability) performed at Invitae indicates that this missense variant is not expected to disrupt CPT2 protein function. In summary, the available evidence is currently insufficient to determine the role of this variant in disease. Therefore, it has been classified as a Variant of Uncertain Significance.